The following is an entry in ClinVar:

NM_002827.4(PTPN1):c.1160C>T (p.Pro387Leu)

Gene: PTPN1 (protein tyrosine phosphatase non-receptor type 1; plus strand). Cytogenetic location: 20q13.13.
Variant type: single nucleotide variant.
Coding change: c.1160C>T on transcript NM_002827.4 (MANE Select); coding-DNA position 1160, C replaced by T.
Protein change: p.Pro387Leu; replaces proline 387 with leucine.
Molecular consequence: missense variant.
Genome position (GRCh38, 1-based): chr20:50,581,336, C>T. VCF-style: chr20-50581336-C-T. GRCh37 (hg19) VCF-style: chr20-49197873-C-T.
Other names: c.941C>T, p.Pro314Leu (NM_001278618.2); short protein forms P314L, P387L.
Identifiers: ClinVar variation 4820716 (VCV004820716.4).

ClinVar aggregate classification (germline): Likely benign (1 of 4 stars; one submission).

gnomAD v4.1: 9,411 of 1,614,032 alleles (0.58%); highest among the groups gnomAD compares: Non-Finnish European, 0.7%; 26 homozygotes.

Submission:

CeGaT Center for Human Genetics Tuebingen
Classification: Likely benign. Last evaluated: 2026-02-01. Review status: criteria provided, single submitter. Criteria: CeGaT Center For Human Genetics Tuebingen Variant Classification Criteria Version 2. Collection method: clinical testing. Allele origin: germline. Affected: yes. Observed: 2 variant alleles.
Comment: PTPN1: BP4, BS2